The following is an entry in ClinVar:

ClinVar aggregate classification (germline): Uncertain significance (1 of 4 stars; one submission).

Conditions:
GNAS-related disorder. Identifiers: MedGen CN380105.

gnomAD v4.1: 1 of 1,613,160 alleles (0.000062%); highest among the groups gnomAD compares: African/African-American, 0.0013%; no homozygotes.

Submission:

PreventionGenetics, part of Exact Sciences
Classification: Uncertain significance for GNAS-related condition. Last evaluated: 2026-04-06. Review status: criteria provided, single submitter. Criteria: ACMG Guidelines, 2015. Collection method: clinical testing. Allele origin: germline.
Comment: The GNAS c.253T>A variant is predicted to result in the amino acid substitution p.Phe85Ile. Of note, this variant can also be referred to as c.-38209T>A (pre-coding) with the more commonly reported isoform, NM_000516. To our knowledge, this variant has not been reported in the literature. This variant is reported in 0.0065% of alleles in individuals of African descent in gnomAD. At this time, the clinical significance of this variant is uncertain due to the absence of conclusive functional and genetic evidence.

NM_080425.4(GNAS):c.253T>A (p.Phe85Ile)

Gene: GNAS (GNAS complex locus; plus strand). Cytogenetic location: 20q13.32.
Variant type: single nucleotide variant.
Coding change: c.253T>A on transcript NM_080425.4 (MANE Plus Clinical); coding-DNA position 253, T replaced by A.
Protein change: p.Phe85Ile; replaces phenylalanine 85 with isoleucine.
Molecular consequence: missense variant. On other transcripts: intron variant (3).
Genome position (GRCh38, 1-based): chr20:58,853,518, T>A. VCF-style: chr20-58853518-T-A. GRCh37 (hg19) VCF-style: chr20-57428573-T-A.
Other names: c.66T>A, p.His22Gln (NM_001309883.1, NM_001077490.3); c.253T>A, p.Phe85Ile (NM_001410913.1); c.*42+12632T>A (NM_016592.5); c.43+12632T>A (NM_001410912.1); c.-39+11643T>A (NM_001309861.2); short protein forms F85I, H22Q.
Identifiers: ClinVar variation 5001581 (VCV005001581.1).